The following is an entry in ClinVar:

NM_002863.5(PYGL):c.1621-6T>C

Gene: PYGL (glycogen phosphorylase L; minus strand). Cytogenetic location: 14q22.1.
Variant type: single nucleotide variant.
Coding change: c.1621-6T>C on transcript NM_002863.5 (MANE Select); 6 bases into the intron before coding-DNA position 1621, T replaced by C.
Molecular consequence: intron variant.
Genome position (GRCh38, 1-based): chr14:50,912,309, A>G on the plus strand (T>C on the coding strand, the complement: PYGL is on the minus strand). VCF-style: chr14-50912309-A-G. GRCh37 (hg19) VCF-style: chr14-51379027-A-G.
Other names: p.?; c.1519-6T>C (NM_001163940.2).
Identifiers: ClinVar variation 258834 (VCV000258834.18), dbSNP rs74539788, ClinGen allele CA7183393.

ClinVar aggregate classification (germline): Benign. Review status: criteria provided, multiple submitters, no conflicts (2 of 4 stars). 6 submissions from 6 submitters: Benign (6). Last evaluated 2026-01-18.

Conditions:
Glycogen storage disease, type VI (GSD6). Also called: Glycogen storage disease type 6; Hepatic glycogen phosphorylase deficiency; HERS DISEASE; PHOSPHORYLASE DEFICIENCY GLYCOGEN-STORAGE DISEASE OF LIVER; Glycogen storage disease type 6, due to phosphorylation; GSD VI. Identifiers: Orphanet 369, MedGen C0017925, MONDO:0009294, OMIM 232700.

Allele frequency attached by ClinVar (database versions not stated): gnomAD exomes 0.00109 and 0.00300; ExAC 0.00386; gnomAD 0.01141 and 0.01217; ESP Exome Variant Server 0.01269; TOPMed 0.01311; 1000 Genomes Project 0.01518; 1000 Genomes Project 30x 0.01671.

Submissions (6):

Labcorp Genetics (formerly Invitae), Labcorp
Classification: Benign for Glycogen storage disease, type VI. Last evaluated: 2026-01-18. Review status: criteria provided, single submitter. Criteria: Invitae Variant Classification Sherloc (09022015). Collection method: clinical testing. Allele origin: germline.

ARUP Laboratories, Molecular Genetics and Genomics, ARUP Laboratories
Classification: Benign for Glycogen storage disease, type VI. Last evaluated: 2023-10-14. Review status: criteria provided, single submitter. Criteria: ARUP Molecular Germline Variant Investigation Process 2024. Collection method: clinical testing. Allele origin: germline.

Mayo Clinic Laboratories, Mayo Clinic
Classification: Benign. Last evaluated: 2020-11-27. Review status: criteria provided, single submitter. Criteria: ACMG Guidelines, 2015. Collection method: clinical testing. Allele origin: germline. Observed: 12 variant alleles.

Illumina Laboratory Services, Illumina
Classification: Benign for Glycogen storage disease, type VI. Last evaluated: 2018-01-13. Review status: criteria provided, single submitter. Criteria: ICSL Variant Classification Criteria 13 December 2019. Collection method: clinical testing. Allele origin: germline.
Comment: This variant was observed in the ICSL laboratory as part of a predisposition screen in an ostensibly healthy population. It had not been previously curated by ICSL or reported in the Human Gene Mutation Database (HGMD: prior to June 1st, 2018), and was therefore a candidate for classification through an automated scoring system. Utilizing variant allele frequency, disease prevalence and penetrance estimates, and inheritance mode, an automated score was calculated to assess if this variant is too frequent to cause the disease. Based on the score and internal cut-off values, a variant classified as benign is not then subjected to further curation. The score for this variant resulted in a classification of benign for this disease.

Breakthrough Genomics
Classification: Benign. Review status: criteria provided, single submitter. Criteria: ACMG Guidelines, 2015. Collection method: not provided. Allele origin: germline. Inheritance: Autosomal recessive inheritance. Affected: yes.

PreventionGenetics, part of Exact Sciences
Classification: Benign. Review status: criteria provided, single submitter. Criteria: ACMG Guidelines, 2015. Collection method: clinical testing. Allele origin: germline.